The following is an entry in ClinVar:

ClinVar aggregate classification (germline): Uncertain significance (1 of 4 stars; one submission).

Conditions:
Hereditary pancreatitis (PCTT). Also called: Hereditary chronic pancreatitis; PRSS1-Related Hereditary Pancreatitis. Identifiers: Orphanet 676, MedGen C0238339, MONDO:0008185, OMIM 167800.

Submission:

Ambry Genetics
Classification: Uncertain significance for Hereditary pancreatitis. Last evaluated: 2024-09-01. Review status: criteria provided, single submitter. Criteria: Ambry Variant Classification Scheme 2023. Collection method: clinical testing. Allele origin: germline.
Comment: The p.D252G variant (also known as c.755A>G), located in coding exon 7 of the CPA1 gene, results from an A to G substitution at nucleotide position 755. The aspartic acid at codon 252 is replaced by glycine, an amino acid with similar properties. This amino acid position is conserved. In addition, this alteration is predicted to be deleterious by in silico analysis. Based on the available evidence, the clinical significance of this variant remains unclear.

NM_001868.4(CPA1):c.755A>G (p.Asp252Gly)

Gene: CPA1 (carboxypeptidase A1; plus strand). Cytogenetic location: 7q32.2.
Variant type: single nucleotide variant.
Coding change: c.755A>G on transcript NM_001868.4 (MANE Select); coding-DNA position 755, A replaced by G.
Protein change: p.Asp252Gly; replaces aspartic acid 252 with glycine.
Molecular consequence: missense variant.
Genome position (GRCh38, 1-based): chr7:130,384,594, A>G. VCF-style: chr7-130384594-A-G. GRCh37 (hg19) VCF-style: chr7-130024435-A-G.
Other names: short protein forms D252G.
Identifiers: ClinVar variation 3496173 (VCV003496173.1).